The following is an entry in ClinVar:

ClinVar aggregate classification (germline): Uncertain significance. Review status: criteria provided, multiple submitters, no conflicts (2 of 4 stars). 2 submissions from 2 submitters: Uncertain significance (2). Last evaluated 2022-04-26.

Allele frequency attached by ClinVar (database versions not stated): gnomAD exomes below 0.00001.
gnomAD v4.1: 2 of 1,211,763 alleles (0.00017%); highest among the groups gnomAD compares: Non-Finnish European, 0.00022%; no homozygotes.

Submissions (2):

Women's Health and Genetics/Laboratory Corporation of America, LabCorp
Classification: Uncertain significance. Last evaluated: 2022-04-26. Review status: criteria provided, single submitter. Criteria: LabCorp Variant Classification Summary - May 2015. Collection method: clinical testing. Allele origin: germline.
Comment: Variant summary: HSD17B10 c.455A>G (p.Asn152Ser) results in a conservative amino acid change in the encoded protein sequence. Three of five in-silico tools predict a damaging effect of the variant on protein function. The variant was absent in 183410 control chromosomes. The available data on variant occurrences in the general population are insufficient to allow any conclusion about variant significance. To our knowledge, no occurrence of c.455A>G in individuals affected with 2-Methyl-3-Hydroxybutyric Aciduria and no experimental evidence demonstrating its impact on protein function have been reported. One clinical diagnostic laboratory has submitted clinical-significance assessments for this variant to ClinVar after 2014 without evidence for independent evaluation. One laboratory classified the variant as uncertain significance. Based on the evidence outlined above, the variant was classified as uncertain significance.

Labcorp Genetics (formerly Invitae), Labcorp
Classification: Uncertain significance. Last evaluated: 2021-05-20. Review status: criteria provided, single submitter. Criteria: Invitae Variant Classification Sherloc (09022015). Collection method: clinical testing. Allele origin: germline.
Comment: This sequence change replaces asparagine with serine at codon 152 of the HSD17B10 protein (p.Asn152Ser). The asparagine residue is highly conserved and there is a small physicochemical difference between asparagine and serine. In summary, the available evidence is currently insufficient to determine the role of this variant in disease. Therefore, it has been classified as a Variant of Uncertain Significance. Algorithms developed to predict the effect of sequence changes on RNA splicing suggest that this variant may create or strengthen a splice site, but this prediction has not been confirmed by published transcriptional studies. Algorithms developed to predict the effect of missense changes on protein structure and function (SIFT, PolyPhen-2, Align-GVGD) all suggest that this variant is likely to be tolerated, but these predictions have not been confirmed by published functional studies and their clinical significance is uncertain. This variant has not been reported in the literature in individuals with HSD17B10-related conditions. This variant is not present in population databases (ExAC no frequency).

NM_004493.3(HSD17B10):c.455A>G (p.Asn152Ser)

Gene: HSD17B10 (hydroxysteroid 17-beta dehydrogenase 10; minus strand). Cytogenetic location: Xp11.22.
Variant type: single nucleotide variant.
Coding change: c.455A>G on transcript NM_004493.3 (MANE Select); coding-DNA position 455, A replaced by G.
Protein change: p.Asn152Ser; replaces asparagine 152 with serine.
Molecular consequence: missense variant.
Genome position (GRCh38, 1-based): chrX:53,432,019, T>C on the plus strand (A>G on the coding strand, the complement: HSD17B10 is on the minus strand). VCF-style: chrX-53432019-T-C. GRCh37 (hg19) VCF-style: chrX-53458967-T-C.
Other names: c.455A>G, p.Asn152Ser (NM_001037811.2); short protein forms N152S.
Identifiers: ClinVar variation 1369621 (VCV001369621.9), dbSNP rs2146627999, ClinGen allele CA413152003.